The following is an entry in ClinVar:

ClinVar aggregate classification (germline): Uncertain significance. Review status: criteria provided, multiple submitters, no conflicts (2 of 4 stars). 2 submissions from 2 submitters: Uncertain significance (2). Last evaluated 2025-10-24.

Submissions (2):

Labcorp Genetics (formerly Invitae), Labcorp
Classification: Uncertain significance. Last evaluated: 2025-10-24. Review status: criteria provided, single submitter. Criteria: Invitae Variant Classification Sherloc (09022015). Collection method: clinical testing. Allele origin: germline.
Comment: This sequence change replaces proline, which is neutral and non-polar, with threonine, which is neutral and polar, at codon 47 of the ARHGEF10 protein (p.Pro47Thr). This variant is present in population databases (rs148285858, gnomAD 0.009%). This variant has not been reported in the literature in individuals affected with ARHGEF10-related conditions. ClinVar contains an entry for this variant (Variation ID: 3312807). An algorithm developed to predict the effect of missense changes on protein structure and function outputs the following: PolyPhen-2: "Benign". The threonine amino acid residue is found in multiple mammalian species, which suggests that this missense change does not adversely affect protein function. In summary, the available evidence is currently insufficient to determine the role of this variant in disease. Therefore, it has been classified as a Variant of Uncertain Significance.

Ambry Genetics
Classification: Uncertain significance. Last evaluated: 2024-04-26. Review status: criteria provided, single submitter. Criteria: Ambry Variant Classification Scheme 2023. Collection method: clinical testing. Allele origin: germline.

NM_014629.4(ARHGEF10):c.139C>A (p.Pro47Thr)

Gene: ARHGEF10 (Rho guanine nucleotide exchange factor 10; plus strand). Cytogenetic location: 8p23.3.
Variant type: single nucleotide variant.
Coding change: c.139C>A on transcript NM_014629.4 (MANE Select); coding-DNA position 139, C replaced by A.
Protein change: p.Pro47Thr; replaces proline 47 with threonine.
Molecular consequence: missense variant.
Genome position (GRCh38, 1-based): chr8:1,858,061, C>A. VCF-style: chr8-1858061-C-A. GRCh37 (hg19) VCF-style: chr8-1806227-C-A.
Other names: c.139C>A, p.Pro47Thr (NM_001308152.2, NM_001308153.3); short protein forms P47T, P71T.
Identifiers: ClinVar variation 3312807 (VCV003312807.2).